The following is an entry in ClinVar:

NM_172107.4(KCNQ2):c.1612G>A (p.Val538Ile)

Gene: KCNQ2 (potassium voltage-gated channel subfamily Q member 2; minus strand). Cytogenetic location: 20q13.33.
Variant type: single nucleotide variant.
Coding change: c.1612G>A on transcript NM_172107.4 (MANE Select); coding-DNA position 1612, G replaced by A.
Protein change: p.Val538Ile; replaces valine 538 with isoleucine.
Molecular consequence: missense variant.
Genome position (GRCh38, 1-based): chr20:63,414,107, C>T on the plus strand (G>A on the coding strand, the complement: KCNQ2 is on the minus strand). VCF-style: chr20-63414107-C-T. GRCh37 (hg19) VCF-style: chr20-62045460-C-T.
Other names: c.1558G>A, p.Val520Ile (NM_001382235.1, NM_172106.3); c.1528G>A, p.Val510Ile (NM_004518.6); c.1519G>A, p.Val507Ile (NM_172108.5); short protein forms V507I, V510I, V520I, V538I.
Identifiers: ClinVar variation 1218158 (VCV001218158.3), dbSNP rs1186571905, ClinGen allele CA409645201.

ClinVar aggregate classification (germline): Uncertain significance (1 of 4 stars; one submission).

Allele frequency attached by ClinVar (database versions not stated): TOPMed below 0.00001; gnomAD 0.00001.

Submission:

GeneDx
Classification: Uncertain significance. Last evaluated: 2019-10-02. Review status: criteria provided, single submitter. Criteria: GeneDx Variant Classification Process June 2021. Collection method: clinical testing. Allele origin: germline. Affected: yes.
Comment: Not observed in large population cohorts (Lek et al., 2016); The majority of missense variants in this gene are considered pathogenic (Stenson et al., 2014); In silico analysis, which includes protein predictors and evolutionary conservation, supports that this variant does not alter protein structure/function; Has not been previously published as pathogenic or benign to our knowledge